The following is an entry in ClinVar:

NM_024675.4(PALB2):c.371C>A (p.Thr124Asn)

Gene: PALB2 (partner and localizer of BRCA2; minus strand). Cytogenetic location: 16p12.2.
Variant type: single nucleotide variant.
Coding change: c.371C>A on transcript NM_024675.4 (MANE Select); coding-DNA position 371, C replaced by A.
Protein change: p.Thr124Asn; replaces threonine 124 with asparagine.
Molecular consequence: missense variant.
Genome position (GRCh38, 1-based): chr16:23,636,175, G>T on the plus strand (C>A on the coding strand, the complement: PALB2 is on the minus strand). VCF-style: chr16-23636175-G-T. GRCh37 (hg19) VCF-style: chr16-23647496-G-T.
Other names: short protein forms T124N.
Identifiers: ClinVar variation 449580 (VCV000449580.23), dbSNP rs45457297, ClinGen allele CA395137525.

ClinVar aggregate classification (germline): Uncertain significance. Review status: criteria provided, multiple submitters, no conflicts (2 of 4 stars). 4 submissions from 4 submitters: Uncertain significance (4). Last evaluated 2025-07-17.

Conditions:
Hereditary cancer-predisposing syndrome. Also called: Neoplastic Syndromes, Hereditary; Hereditary neoplastic syndrome; Hereditary Cancer Syndrome; Tumor predisposition. Identifiers: Orphanet 140162, MedGen C0027672, MeSH D009386, MONDO:0015356.
Familial cancer of breast. Also called: BREAST CANCER, FAMILIAL; hereditary breast carcinoma; Hereditary breast cancer. Identifiers: Orphanet 227535, MedGen C0346153, MONDO:0016419, OMIM 114480. Disease mechanism: loss of function.

gnomAD v4.1: 4 of 1,612,596 alleles (0.00025%); highest among the groups gnomAD compares: East Asian, 0.0089%; 1 homozygote.

Submissions (4):

Ambry Genetics
Classification: Uncertain significance for Hereditary cancer-predisposing syndrome. Last evaluated: 2025-07-17. Review status: criteria provided, single submitter. Criteria: Ambry Variant Classification Scheme 2023. Collection method: clinical testing. Allele origin: germline.
Comment: The p.T124N variant (also known as c.371C>A), located in coding exon 4 of the PALB2 gene, results from a C to A substitution at nucleotide position 371. The threonine at codon 124 is replaced by asparagine, an amino acid with similar properties. This alteration was observed in unselected female breast cancer patients, unselected prostate cancer patients and unaffected controls of Japanese ancestry (Momozawa Y et al. Nat Commun, 2018 10;9:4083; Momozawa Y et al. J Natl Cancer Inst, 2020 Apr;112:369-376). This amino acid position is poorly conserved in available vertebrate species. In addition, this alteration is predicted to be tolerated by in silico analysis. Since supporting evidence is limited at this time, the clinical significance of this alteration remains unclear.

Labcorp Genetics (formerly Invitae), Labcorp
Classification: Uncertain significance for Familial cancer of breast. Last evaluated: 2024-05-29. Review status: criteria provided, single submitter. Criteria: Invitae Variant Classification Sherloc (09022015). Collection method: clinical testing. Allele origin: germline.
Comment: This sequence change replaces threonine, which is neutral and polar, with asparagine, which is neutral and polar, at codon 124 of the PALB2 protein (p.Thr124Asn). This variant is not present in population databases (gnomAD no frequency). This missense change has been observed in individual(s) with breast cancer (PMID: 30287823). ClinVar contains an entry for this variant (Variation ID: 449580). Algorithms developed to predict the effect of missense changes on protein structure and function output the following: SIFT: "Not Available"; PolyPhen-2: "Benign"; Align-GVGD: "Not Available". The asparagine amino acid residue is found in multiple mammalian species, which suggests that this missense change does not adversely affect protein function. In summary, the available evidence is currently insufficient to determine the role of this variant in disease. Therefore, it has been classified as a Variant of Uncertain Significance.

Color Diagnostics, LLC DBA Color Health
Classification: Uncertain significance for Hereditary cancer-predisposing syndrome. Last evaluated: 2022-11-07. Review status: criteria provided, single submitter. Criteria: ACMG Guidelines, 2015. Collection method: clinical testing. Allele origin: germline.
Comment: This missense variant replaces threonine with asparagine at codon 124 of the PALB2 protein. Computational prediction suggests that this variant may not impact protein structure and function (internally defined REVEL score threshold <= 0.5, PMID: 27666373). To our knowledge, functional studies have not been reported for this variant. This variant has been reported in two breast cancer case-control studies in which it was detected in 2 cases and 2 unaffected individuals (PMID: 30287823, 33471991). This variant also has been reported in a pancreatic cancer and a prostate cancer case-control study in 1/1005 pancreatic cancer cases and 4/23705 unaffected controls and 3/7636 prostate cancer cases and 2/12366 unaffected controls, respectively (PMID: 31214711, 32980694). This variant has not been identified in the general population by the Genome Aggregation Database (gnomAD). The available evidence is insufficient to determine the role of this variant in disease conclusively. Therefore, this variant is classified as a Variant of Uncertain Significance.

GeneDx
Classification: Uncertain significance. Last evaluated: 2020-10-05. Review status: criteria provided, single submitter. Criteria: GeneDx Variant Classification Process June 2021. Collection method: clinical testing. Allele origin: germline. Affected: yes.
Comment: Not observed in large population cohorts (Lek et al., 2016); In silico analysis supports that this missense variant does not alter protein structure/function; Observed in an individuals with breast cancer as well as unaffected control individuals (Momozawa 2018); This variant is associated with the following publications: (PMID: 30287823)

Literature cited by the submitters: PubMed 30287823 (cited by 3 submitters); PubMed 31214711 (cited by Ambry Genetics and Color Diagnostics, LLC DBA Color Health); PubMed 32980694 (cited by Color Diagnostics, LLC DBA Color Health); PubMed 33471991 (cited by Color Diagnostics, LLC DBA Color Health).